The following is an entry in ClinVar:

ClinVar aggregate classification (germline): Uncertain significance (1 of 4 stars; one submission).

Conditions:
ZNF407-related disorder. Also called: ZNF407-related condition.

gnomAD v4.1: 145 of 1,551,574 alleles (0.0093%); highest among the groups gnomAD compares: Middle Eastern, 0.12%; no homozygotes.

Submission:

PreventionGenetics, part of Exact Sciences
Classification: Uncertain significance for ZNF407-related condition. Last evaluated: 2026-05-01. Review status: criteria provided, single submitter. Criteria: ACMG Guidelines, 2015. Collection method: clinical testing. Allele origin: germline.
Comment: The ZNF407 c.4940C>G variant is predicted to result in the amino acid substitution p.Ser1647Trp. On an alternate transcript (NM_001146190), this variant is referred to as c.4940C>G (p.Ser1647Trp). To our knowledge, this variant has not been reported in the literature. This variant is reported in 0.023% of alleles in individuals of Latino descent in gnomAD. At this time, the clinical significance of this variant is uncertain due to the absence of conclusive functional and genetic evidence.

NM_017757.3(ZNF407):c.4877+22524C>G

Gene: ZNF407 (zinc finger protein 407; plus strand). Cytogenetic location: 18q22.3.
Variant type: single nucleotide variant.
Coding change: c.4877+22524C>G on transcript NM_017757.3 (MANE Select); 22524 bases into the intron after coding-DNA position 4877, C replaced by G.
Molecular consequence: intron variant. On other transcripts: missense variant (1).
Genome position (GRCh38, 1-based): chr18:74,804,026, C>G. VCF-style: chr18-74804026-C-G. GRCh37 (hg19) VCF-style: chr18-72515982-C-G.
Other names: c.4940C>G, p.Ser1647Trp (NM_001146190.1); c.4877+22524C>G (NM_001384475.1, NM_001146189.1); short protein forms S1647W.
Identifiers: ClinVar variation 4982439 (VCV004982439.1).